The following is an entry in ClinVar:

NM_032242.4(PLXNA1):c.906C>T (p.Cys302=)

Gene: PLXNA1 (plexin A1; plus strand). Cytogenetic location: 3q21.3.
Variant type: single nucleotide variant.
Coding change: c.906C>T on transcript NM_032242.4 (MANE Select); coding-DNA position 906, C replaced by T.
Protein change: p.Cys302=; no amino-acid change (cysteine 302 retained).
Molecular consequence: synonymous variant.
Genome position (GRCh38, 1-based): chr3:126,989,499, C>T. VCF-style: chr3-126989499-C-T. GRCh37 (hg19) VCF-style: chr3-126708342-C-T.
Other names: c.906C>T (NM_032242.3).
Identifiers: ClinVar variation 2048235 (VCV002048235.5), dbSNP rs372794860, ClinGen allele CA2593076.
Genomic context (GRCh38, chr3:126,989,499, plus strand): 5'-CGTGCGGCTCTGTGTGGACGACCCCAAATTCTACTCGTACGTTGAGTTCCCCATTGGCTG[C>T]GAGCAGGCGGGTGTGGAGTACCGCCTGGTGCAGGATGCCTACCTGAGCCGGCCCGGCCGT-3'
Protein context (NP_115618.3, residues 292-312): FYSYVEFPIG[Cys302=]EQAGVEYRLV

ClinVar aggregate classification (germline): Benign. Review status: criteria provided, multiple submitters, no conflicts (2 of 4 stars). 2 submissions from 2 submitters: Benign (2). Last evaluated 2026-07-10.

Conditions:
PLXNA1-related disorder. Also called: PLXNA1-related condition.

Allele frequency attached by ClinVar (database versions not stated): ESP Exome Variant Server 0.00008; TOPMed 0.00028; gnomAD 0.00038; ExAC 0.00066; 1000 Genomes Project 0.00339; 1000 Genomes Project 30x 0.00344.
gnomAD v4.1: 311 of 1,613,626 alleles (0.019%); highest among the groups gnomAD compares: East Asian, 0.47%; 2 homozygotes.

Submissions (2):

PreventionGenetics, part of Exact Sciences
Classification: Benign for PLXNA1-related condition. Last evaluated: 2026-07-10. Review status: criteria provided, single submitter. Criteria: ACMG Guidelines, 2015. Collection method: clinical testing. Allele origin: germline.
Comment: This variant is classified as benign based on ACMG/AMP sequence variant interpretation guidelines (Richards et al. 2015 PMID: 25741868, with internal and published modifications).

Labcorp Genetics (formerly Invitae), Labcorp
Classification: Benign. Last evaluated: 2025-11-24. Review status: criteria provided, single submitter. Criteria: Invitae Variant Classification Sherloc (09022015). Collection method: clinical testing. Allele origin: germline.